The following is an entry in ClinVar:

NM_000370.3(TTPA):c.227_229delinsATT (p.Trp76_Arg77delinsTyrTer)

Gene: TTPA (alpha tocopherol transfer protein; minus strand). Cytogenetic location: 8q12.3.
Variant type: Indel.
Coding change: c.227_229delinsATT on transcript NM_000370.3 (MANE Select); coding-DNA positions 227 to 229, GGA replaced by ATT.
Protein change: p.Trp76_Arg77delinsTyrTer.
Molecular consequence: nonsense.
Genome position (GRCh38, 1-based): chr8:63,073,064-63,073,066, TCC replaced by AAT on the plus strand (GGA replaced by ATT on the coding strand, the reverse complement: TTPA is on the minus strand). VCF-style: chr8-63073064-TCC-AAT. GRCh37 (hg19) VCF-style: chr8-63985623-TCC-AAT.
Other names: c.227_229delGGAinsATT (NM_000370.3).
Identifiers: ClinVar variation 551293 (VCV000551293.13), dbSNP rs1554524061, ClinGen allele CA658822189.
Genomic context (GRCh38, chr8:63,073,064, plus strand): 5'-TTAGGAGGCCAATAATACTTCTAGGGTGTAGATCTGCACTTATTTCTGGACATTCTGCTC[TCC>AAT]ACTTATAATAGTTTTTTAGTAACTGAAAAATAAAATTAAAATTGTCTACAAATGGCATAC-3'

ClinVar aggregate classification (germline): Pathogenic. Review status: criteria provided, multiple submitters, no conflicts (2 of 4 stars). 6 submissions from 6 submitters: Pathogenic (5). 1 of the submissions does not count toward it. Last evaluated 2025-12-22.

Conditions:
Familial isolated deficiency of vitamin E (AVED). Also called: Ataxia with isolated vitamin E deficiency; ATAXIA, FRIEDREICH-LIKE, WITH SELECTIVE VITAMIN E DEFICIENCY. Identifiers: Orphanet 96, MedGen C1848533, MONDO:0010188, OMIM 277460.

Submissions (6):

Myriad Genetics, Inc.
Classification: Pathogenic for Familial isolated deficiency of vitamin E. Last evaluated: 2025-12-22. Review status: criteria provided, single submitter. Criteria: Myriad Autosomal Dominant, Autosomal Recessive and X-Linked Classification Criteria (2023). Collection method: clinical testing. Allele origin: unknown.
Comment: NM_000370.3(TTPA):c.227_229delGGAinsATT(W76_R77delinsY*) is a nonsense variant classified as pathogenic in the context of ataxia with vitamin E deficiency. W76_R77delinsY* has been observed in a case with relevant disease (PMID: 18458655). Relevant functional assessments of this variant are not available in the literature. W76_R77delinsY* has not been observed in referenced population frequency databases. In summary, NM_000370.3(TTPA):c.227_229delGGAinsATT(W76_R77delinsY*) is a nonsense variant in a gene where loss of function is a known mechanism of disease, is predicted to disrupt protein function, and has been observed more frequently in cases with the relevant disease than in healthy populations. Please note: this variant was assessed in the context of healthy population screening.

Natera, Inc.
Classification: Pathogenic for Ataxia with isolated vitamin E deficiency. Last evaluated: 2024-05-13. Review status: criteria provided, single submitter. Criteria: Natera Variant Classification Schema (03/2026). Collection method: clinical testing. Allele origin: germline.
Comment: The c.227_229delGGAinsATT variant in TTPA is a deletion-insertion (delins) variant predicted to replace one or more nucleotides with a different sequence. This variant is expected to result in nonsense mediated decay, truncation, or a dysfunctional protein product. This variant is rare in the general population with a frequency below the threshold expected for the associated phenotype(s). This variant has been observed in one or more individuals affected with the associated recessive disease, as either homozygous or compound heterozygous with a second variant (PMID: 18458655). Additionally, this variant has been observed to segregate in affected family members (PMID: 18458655). Given the available evidence, this variant is classified as Pathogenic.

Fulgent Genetics
Classification: Pathogenic for Familial isolated deficiency of vitamin E. Last evaluated: 2024-03-16. Review status: criteria provided, single submitter. Criteria: ACMG Guidelines, 2015. Collection method: clinical testing. Allele origin: germline.

Baylor Genetics
Classification: Pathogenic for Familial isolated deficiency of vitamin E. Last evaluated: 2024-01-16. Review status: criteria provided, single submitter. Criteria: ACMG Guidelines, 2015. Collection method: clinical testing. Allele origin: unknown.

Labcorp Genetics (formerly Invitae), Labcorp
Classification: Pathogenic. Last evaluated: 2023-02-05. Review status: criteria provided, single submitter. Criteria: Invitae Variant Classification Sherloc (09022015). Collection method: clinical testing. Allele origin: germline.
Comment: For these reasons, this variant has been classified as Pathogenic. ClinVar contains an entry for this variant (Variation ID: 551293). This premature translational stop signal has been observed in individual(s) with clinical features of ataxia with isolated vitamin E deficiency (PMID: 18458655). In at least one individual the data is consistent with being in trans (on the opposite chromosome) from a pathogenic variant. Information on the frequency of this variant in the gnomAD database is not available, as this variant may be reported differently in the database. This sequence change creates a premature translational stop signal (p.Trp76_Arg77delinsTyr*) in the TTPA gene. It is expected to result in an absent or disrupted protein product. Loss-of-function variants in TTPA are known to be pathogenic (PMID: 9463307, 26068213).

Counsyl
Classification: Likely pathogenic for Familial isolated deficiency of vitamin E. Last evaluated: 2017-03-29. Review status: no assertion criteria provided. Collection method: clinical testing. Allele origin: unknown. Not counted in ClinVar's aggregate classification.

Literature cited by the submitters: PubMed 18458655 (cited by 4 submitters); PubMed 9463307 (cited by Labcorp Genetics (formerly Invitae), Labcorp); PubMed 26068213 (cited by Labcorp Genetics (formerly Invitae), Labcorp).